The following is an entry in ClinVar:

ClinVar aggregate classification (germline): Benign/Likely benign. Review status: criteria provided, multiple submitters, no conflicts (2 of 4 stars). 4 submissions from 4 submitters: Benign (1); Likely benign (2). 1 of the submissions does not count toward it. Last evaluated 2026-03-01.

Conditions:
SRCAP-related disorder. Also called: SRCAP-related condition.
Floating-Harbor syndrome (FLHS). Also called: SRCAP-Related Floating-Harbor Syndrome; Short stature with delayed bone age, expressive language delay, a triangular face with a prominent nose and deep-set eyes; Pelletier-Leisti syndrome. Identifiers: Orphanet 2044, MedGen C0729582, MONDO:0007621, OMIM 136140.
Developmental delay, hypotonia, musculoskeletal defects, and behavioral abnormalities. Identifiers: MedGen C5562012, MONDO:0859202, OMIM 619595.

Allele frequency attached by ClinVar (database versions not stated): gnomAD 0.00009; gnomAD exomes 0.00012 and 0.00055; 1000 Genomes Project 30x 0.00016; 1000 Genomes Project 0.00020; TOPMed 0.00023; ExAC 0.00043.
gnomAD v4.1: 192 of 1,613,882 alleles (0.012%); highest among the groups gnomAD compares: Admixed American, 0.25%; 2 homozygotes.

Submissions (4):

CeGaT Center for Human Genetics Tuebingen
Classification: Likely benign. Last evaluated: 2026-03-01. Review status: criteria provided, single submitter. Criteria: CeGaT Center For Human Genetics Tuebingen Variant Classification Criteria Version 2. Collection method: clinical testing. Allele origin: germline. Affected: yes. Observed: 1 variant allele.
Comment: SRCAP: BP4, BS1

Labcorp Genetics (formerly Invitae), Labcorp
Classification: Benign. Last evaluated: 2026-01-05. Review status: criteria provided, single submitter. Criteria: Invitae Variant Classification Sherloc (09022015). Collection method: clinical testing. Allele origin: germline.

Fulgent Genetics
Classification: Likely benign for Floating-Harbor syndrome; Developmental delay, hypotonia, musculoskeletal defects, and behavioral abnormalities. Last evaluated: 2022-01-08. Review status: criteria provided, single submitter. Criteria: ACMG Guidelines, 2015. Collection method: clinical testing. Allele origin: unknown.

PreventionGenetics, part of Exact Sciences
Classification: Likely benign for SRCAP-related condition. Last evaluated: 2020-05-19. Review status: no assertion criteria provided. Collection method: clinical testing. Allele origin: germline. Not counted in ClinVar's aggregate classification.
Comment: This variant is classified as likely benign based on ACMG/AMP sequence variant interpretation guidelines (Richards et al. 2015 PMID: 25741868, with internal and published modifications).

NM_006662.3(SRCAP):c.6664G>A (p.Val2222Met)

Gene: SRCAP (Snf2 related CREBBP activator protein; plus strand). Cytogenetic location: 16p11.2.
Variant type: single nucleotide variant.
Coding change: c.6664G>A on transcript NM_006662.3 (MANE Select); coding-DNA position 6664, G replaced by A.
Protein change: p.Val2222Met; replaces valine 2222 with methionine.
Molecular consequence: missense variant.
Genome position (GRCh38, 1-based): chr16:30,734,550, G>A. VCF-style: chr16-30734550-G-A. GRCh37 (hg19) VCF-style: chr16-30745871-G-A.
Other names: c.6664G>A (NM_006662.2); short protein forms V2222M.
Identifiers: ClinVar variation 1561223 (VCV001561223.15), dbSNP rs201837401, ClinGen allele CA8012301.
Genomic context (GRCh38, chr16:30,734,550, plus strand): 5'-CGATAGCAGACCATCCGAGAGCTGTTTGATATGCCCCTGGAGGAACCTTCTAGCTCATCC[G>A]TGCCCTCTGCCCCTGAAGAGGAGGAAGAGACTGTGGCCAGCAAGCAGACTCATATTCTGG-3'
Protein context (NP_006653.2, residues 2212-2232): MPLEEPSSSS[Val2222Met]PSAPEEEEET